The following is an entry in ClinVar:

NM_002693.3(POLG):c.1157G>A (p.Arg386His)

Gene: POLG (DNA polymerase gamma, catalytic subunit; minus strand). Cytogenetic location: 15q26.1.
Variant type: single nucleotide variant.
Coding change: c.1157G>A on transcript NM_002693.3 (MANE Select); coding-DNA position 1157, G replaced by A.
Protein change: p.Arg386His; replaces arginine 386 with histidine.
Molecular consequence: missense variant.
Genome position (GRCh38, 1-based): chr15:89,328,698, C>T on the plus strand (G>A on the coding strand, the complement: POLG is on the minus strand). VCF-style: chr15-89328698-C-T. GRCh37 (hg19) VCF-style: chr15-89871929-C-T.
Other names: c.1157G>A, p.Arg386His (NM_001126131.2); short protein forms R386H.
Identifiers: ClinVar variation 528386 (VCV000528386.10), dbSNP rs1394411503, ClinGen allele CA393764641.
Genomic context (GRCh38, chr15:89,328,698, plus strand): 5'-GGGGTGTGCCACAGCCCATGTCCCCAGAGCCCCCTCCAGCACCATACCTGGAAGTTCTCA[C>T]GAATGTCCTTCATGGTGCCCTTCACAAACAGTTCTCGAGGCTCCTTCTCTAAGGGAGGCC-3'
Protein context (NP_002684.1, residues 376-396): LFVKGTMKDI[Arg386His]ENFQDLMQYC

ClinVar aggregate classification (germline): Uncertain significance. Review status: criteria provided, multiple submitters, no conflicts (2 of 4 stars). 3 submissions from 3 submitters: Uncertain significance (3). Last evaluated 2024-09-16.

Conditions:
Progressive sclerosing poliodystrophy (MTDPS4A). Also called: Mitochondrial DNA Depletion Syndrome 4A; Alpers Syndrome; ALPERS DIFFUSE DEGENERATION OF CEREBRAL GRAY MATTER WITH HEPATIC CIRRHOSIS; Alpers-Huttenlocher Syndrome; Mitochondrial DNA depletion syndrome 4A (Alpers type); Alpers-Huttenlocher Syndrome (AHS). Identifiers: Orphanet 726, MedGen C0205710, MONDO:0008758, OMIM 203700.

Allele frequency attached by ClinVar (database versions not stated): gnomAD 0.00001; TOPMed 0.00001.

Submissions (3):

Blueprint Genetics
Classification: Uncertain significance. Last evaluated: 2024-09-16. Review status: criteria provided, single submitter. Criteria: ACMG Guidelines, 2015. Collection method: clinical testing. Allele origin: germline.

Labcorp Genetics (formerly Invitae), Labcorp
Classification: Uncertain significance for Progressive sclerosing poliodystrophy. Last evaluated: 2024-05-21. Review status: criteria provided, single submitter. Criteria: Invitae Variant Classification Sherloc (09022015). Collection method: clinical testing. Allele origin: germline.
Comment: This sequence change replaces arginine, which is basic and polar, with histidine, which is basic and polar, at codon 386 of the POLG protein (p.Arg386His). This variant is present in population databases (no rsID available, gnomAD 0.007%). This missense change has been observed in individual(s) with clinical features of Alpers syndrome (PMID: 20883824). ClinVar contains an entry for this variant (Variation ID: 528386). Advanced modeling of protein sequence and biophysical properties (such as structural, functional, and spatial information, amino acid conservation, physicochemical variation, residue mobility, and thermodynamic stability) has been performed at Invitae for this missense variant, however the output from this modeling did not meet the statistical confidence thresholds required to predict the impact of this variant on POLG protein function. Experimental studies have shown that this missense change affects POLG function (PMID: 20883824). In summary, the available evidence is currently insufficient to determine the role of this variant in disease. Therefore, it has been classified as a Variant of Uncertain Significance.

Women's Health and Genetics/Laboratory Corporation of America, LabCorp
Classification: Uncertain significance. Last evaluated: 2024-03-19. Review status: criteria provided, single submitter. Criteria: LabCorp Variant Classification Summary - May 2015. Collection method: clinical testing. Allele origin: germline.
Comment: Variant summary: POLG c.1157G>A (p.Arg386His) results in a non-conservative amino acid change located in the DNA mitochondrial polymerase, exonuclease domain (IPR041336) of the encoded protein sequence. Five of five in-silico tools predict a damaging effect of the variant on protein function. The variant was absent in 251406 control chromosomes (gnomAD). The available data on variant occurrences in the general population are insufficient to allow any conclusion about variant significance. c.1157G>A has been reported in the literature in a heterozygous individual affected with features of Alpers' syndrome (Baruffini_2011). This report does not provide unequivocal conclusions about association of the variant with Mitochondrial DNA Depletion Syndrome - POLG Related. This publication reports experimental evidence evaluating an impact on protein function in yeast, finding that replacing an Arg with a His residue in a humanized yeast strain results in a higher frequency of the petite phenotype. However, this does not allow convincing conclusions about the variant effect. The following publication has been ascertained in the context of this evaluation (PMID: 20883824). ClinVar contains an entry for this variant (Variation ID: 528386). Based on the evidence outlined above, the variant was classified as uncertain significance.

Literature cited by the submitters: PubMed 20883824 (cited by Labcorp Genetics (formerly Invitae), Labcorp and Women's Health and Genetics/Laboratory Corporation of America, LabCorp).